The following is an entry in ClinVar:

ClinVar aggregate classification (germline): Uncertain significance (1 of 4 stars; one submission).

Allele frequency attached by ClinVar (database versions not stated): gnomAD exomes 0.00005 and 0.00011; ExAC 0.00014; 1000 Genomes Project 30x 0.00016; 1000 Genomes Project 0.00020; gnomAD 0.00054 and 0.00058; TOPMed 0.00054; ESP Exome Variant Server 0.00085.
gnomAD v4.1: 149 of 1,601,856 alleles (0.0093%); highest among the groups gnomAD compares: African/African-American, 0.19%; 1 homozygote.

Submission:

Labcorp Genetics (formerly Invitae), Labcorp
Classification: Uncertain significance. Last evaluated: 2025-06-24. Review status: criteria provided, single submitter. Criteria: Invitae Variant Classification Sherloc (09022015). Collection method: clinical testing. Allele origin: germline.
Comment: This sequence change replaces proline, which is neutral and non-polar, with serine, which is neutral and polar, at codon 366 of the MCM5 protein (p.Pro366Ser). This variant is present in population databases (rs139470681, gnomAD 0.2%), and has an allele count higher than expected for a pathogenic variant. This variant has not been reported in the literature in individuals affected with MCM5-related conditions. ClinVar contains an entry for this variant (Variation ID: 1444897). Invitae Evidence Modeling of protein sequence and biophysical properties (such as structural, functional, and spatial information, amino acid conservation, physicochemical variation, residue mobility, and thermodynamic stability) has been performed for this missense variant. However, the output from this modeling did not meet the statistical confidence thresholds required to predict the impact of this variant on MCM5 protein function. In summary, the available evidence is currently insufficient to determine the role of this variant in disease. Therefore, it has been classified as a Variant of Uncertain Significance.

NM_006739.4(MCM5):c.1096C>T (p.Pro366Ser)

Gene: MCM5 (minichromosome maintenance complex component 5; plus strand). Cytogenetic location: 22q12.3.
Variant type: single nucleotide variant.
Coding change: c.1096C>T on transcript NM_006739.4 (MANE Select); coding-DNA position 1096, C replaced by T.
Protein change: p.Pro366Ser; replaces proline 366 with serine.
Molecular consequence: missense variant.
Genome position (GRCh38, 1-based): chr22:35,413,879, C>T. VCF-style: chr22-35413879-C-T. GRCh37 (hg19) VCF-style: chr22-35809872-C-T.
Other names: short protein forms P366S.
Identifiers: ClinVar variation 1444897 (VCV001444897.6), dbSNP rs139470681, ClinGen allele CA10205277.
Genomic context (GRCh38, chr22:35,413,879, plus strand): 5'-TCACATGCGATGCCCTCATGGATTCTCACCTTGTCCATCTACCCTTCGTCCCCCAGGCTC[C>T]CTGATGGACTTACTCGCCGAGGAGACATCAACCTGCTGATGCTAGGGGACCCTGGGACAG-3'
Protein context (NP_006730.2, residues 356-376): LLFGGSRKRL[Pro366Ser]DGLTRRGDIN